The following is an entry in ClinVar:

NM_001318510.2(ACSL4):c.488G>C (p.Ser163Thr)

Gene: ACSL4 (acyl-CoA synthetase long chain family member 4; minus strand). Cytogenetic location: Xq23.
Variant type: single nucleotide variant.
Coding change: c.488G>C on transcript NM_001318510.2 (MANE Select); coding-DNA position 488, G replaced by C.
Protein change: p.Ser163Thr; replaces serine 163 with threonine.
Molecular consequence: missense variant.
Genome position (GRCh38, 1-based): chrX:109,681,294, C>G on the plus strand (G>C on the coding strand, the complement: ACSL4 is on the minus strand). VCF-style: chrX-109681294-C-G. GRCh37 (hg19) VCF-style: chrX-108924523-C-G.
Other names: c.611G>C, p.Ser204Thr (NM_001318509.2, NM_022977.3); c.488G>C, p.Ser163Thr (NM_004458.3); short protein forms S163T, S204T.
Identifiers: ClinVar variation 2661183 (VCV002661183.24), dbSNP rs2521213565, ClinGen allele CA414218232.
Genomic context (GRCh38, chrX:109,681,294, plus strand): 5'-AACCATGAATTAAAAGAAAATTTCATATTTACCTTAAGTTTACTTTCCAGAAGTTCAACA[C>G]TGGTAATCAGATAGGAAGCCTCAGATTCATTTAGCCCATGAACTACTGCTTCTTTGCCAA-3'
Protein context (NP_001305439.1, residues 153-173): NESEASYLIT[Ser163Thr]VELLESKLKT

ClinVar aggregate classification (germline): Likely benign (1 of 4 stars; one submission).

Submission:

CeGaT Center for Human Genetics Tuebingen
Classification: Likely benign. Last evaluated: 2022-10-01. Review status: criteria provided, single submitter. Criteria: CeGaT Center For Human Genetics Tuebingen Variant Classification Criteria Version 2. Collection method: clinical testing. Allele origin: germline. Affected: yes. Observed: 1 variant allele.
Comment: ACSL4: PM2, BS2